The following is an entry in ClinVar:

NM_000292.3(PHKA2):c.3388C>T (p.Arg1130Cys)

Genes: PHKA2 (phosphorylase kinase regulatory subunit alpha 2; minus strand), PHKA2-AS1 (PHKA2 antisense RNA 1; plus strand). Cytogenetic location: Xp22.13.
Variant type: single nucleotide variant.
Coding change: c.3388C>T on transcript NM_000292.3 (MANE Select); coding-DNA position 3388, C replaced by T.
Protein change: p.Arg1130Cys; replaces arginine 1130 with cysteine.
Molecular consequence: missense variant. On other transcripts: non-coding transcript variant (1).
Genome position (GRCh38, 1-based): chrX:18,894,353, G>A on the plus strand (C>T on the coding strand, the complement: PHKA2 is on the minus strand). VCF-style: chrX-18894353-G-A. GRCh37 (hg19) VCF-style: chrX-18912471-G-A.
Other names: c.3388C>T (NM_000292.2); short protein forms R1130C.
Identifiers: ClinVar variation 2061054 (VCV002061054.6), dbSNP rs368131175, ClinGen allele CA10361314.

ClinVar aggregate classification (germline): Conflicting classifications of pathogenicity. Review status: criteria provided, conflicting classifications (1 of 4 stars). 3 submissions from 3 submitters: Uncertain significance (1); Likely benign (2). Last evaluated 2026-08-13.

Conditions:
PHKA2-related disorder. Also called: PHKA2-related condition.
Inborn genetic diseases. Identifiers: MedGen C0950123, MeSH D030342.
Glycogen storage disease IXa1. Also called: GLYCOGEN STORAGE DISEASE VIII; GSD VIII; Glycogen storage disease 8; LIVER GLYCOGENOSIS, X-LINKED, TYPE I. Identifiers: Orphanet 264580, MedGen C3694531, MONDO:0010598, OMIM 306000.

Allele frequency attached by ClinVar (database versions not stated): gnomAD exomes 0.00006; TOPMed 0.00007; ExAC 0.00008; ESP Exome Variant Server 0.00009; gnomAD 0.00009.
gnomAD v4.1: 78 of 1,210,166 alleles (0.0064%); highest among the groups gnomAD compares: Non-Finnish European, 0.0082%; no homozygotes.

Submissions (3):

PreventionGenetics, part of Exact Sciences
Classification: Likely benign for PHKA2-related condition. Last evaluated: 2026-08-13. Review status: criteria provided, single submitter. Criteria: ACMG Guidelines, 2015. Collection method: clinical testing. Allele origin: germline.
Comment: This variant is classified as likely benign based on ACMG/AMP sequence variant interpretation guidelines (Richards et al. 2015 PMID: 25741868, with internal and published modifications).

Labcorp Genetics (formerly Invitae), Labcorp
Classification: Uncertain significance for Glycogen storage disease IXa1. Last evaluated: 2025-08-21. Review status: criteria provided, single submitter. Criteria: Invitae Variant Classification Sherloc (09022015). Collection method: clinical testing. Allele origin: germline.
Comment: This sequence change replaces arginine, which is basic and polar, with cysteine, which is neutral and slightly polar, at codon 1130 of the PHKA2 protein (p.Arg1130Cys). This variant is present in population databases (rs368131175, gnomAD 0.02%), and has an allele count higher than expected for a pathogenic variant. This variant has not been reported in the literature in individuals affected with PHKA2-related conditions. ClinVar contains an entry for this variant (Variation ID: 2061054). Invitae Evidence Modeling of protein sequence and biophysical properties (such as structural, functional, and spatial information, amino acid conservation, physicochemical variation, residue mobility, and thermodynamic stability) has been performed for this missense variant. However, the output from this modeling did not meet the statistical confidence thresholds required to predict the impact of this variant on PHKA2 protein function. In summary, the available evidence is currently insufficient to determine the role of this variant in disease. Therefore, it has been classified as a Variant of Uncertain Significance.

Ambry Genetics
Classification: Likely benign for Inborn genetic diseases. Last evaluated: 2024-01-16. Review status: criteria provided, single submitter. Criteria: Ambry Variant Classification Scheme 2023. Collection method: clinical testing. Allele origin: germline.